The following is an entry in ClinVar:

NM_001308093.3(GATA4):c.54C>A (p.Tyr18Ter)

Gene: GATA4 (GATA binding protein 4). Cytogenetic location: 8p23.1.
Variant type: single nucleotide variant.
Coding change: c.54C>A on transcript NM_001308093.3 (MANE Select); coding-DNA position 54, C replaced by A.
Protein change: p.Tyr18Ter; replaces tyrosine 18 with a stop codon.
Molecular consequence: nonsense. On other transcripts: intron variant (3).
Genome position (GRCh38, 1-based): chr8:11,708,366, C>A. VCF-style: chr8-11708366-C-A. GRCh37 (hg19) VCF-style: chr8-11565875-C-A.
Other names: c.54C>A, p.Tyr18Ter (NM_002052.5); c.-6+7588C>A (NM_001308094.2); c.-3+352C>A (NM_001374274.1); c.-3+4062C>A (NM_001374273.1); short protein forms Y18*.
Identifiers: ClinVar variation 1361119 (VCV001361119.6), dbSNP rs1799991762, ClinGen allele CA370308651.

ClinVar aggregate classification (germline): Pathogenic (1 of 4 stars; one submission).

Conditions:
Atrioventricular septal defect 4 (AVSD4). Identifiers: MedGen C3280781, MONDO:0013747, OMIM 614430.

Allele frequency attached by ClinVar (database versions not stated): TOPMed below 0.00001.

Submission:

Labcorp Genetics (formerly Invitae), Labcorp
Classification: Pathogenic for Atrioventricular septal defect 4. Last evaluated: 2022-08-16. Review status: criteria provided, single submitter. Criteria: Invitae Variant Classification Sherloc (09022015). Collection method: clinical testing. Allele origin: germline.
Comment: This variant has not been reported in the literature in individuals affected with GATA4-related conditions. This variant is not present in population databases (gnomAD no frequency). This sequence change creates a premature translational stop signal (p.Tyr18*) in the GATA4 gene. It is expected to result in an absent or disrupted protein product. Loss-of-function variants in GATA4 are known to be pathogenic (PMID: 12845333, 15235040). For these reasons, this variant has been classified as Pathogenic. ClinVar contains an entry for this variant (Variation ID: 1361119).

Literature cited by the submitters: PubMed 12845333; PubMed 15235040.